The following is an entry in ClinVar:

ClinVar aggregate classification (germline): Uncertain significance (1 of 4 stars; one submission).

Conditions:
Ehlers-Danlos syndrome, type 4 (EDSVASC). Also called: Ehlers-Danlos syndrome vascular type; Ehlers Danlos syndrome, ecchymotic type; Ehlers Danlos syndrome, arterial type; Ehlers Danlos syndrome, Sack-Barabas type; Ehlers-Danlos Syndrome Type IV. Identifiers: Orphanet 286, MedGen C0268338, MONDO:0017314, OMIM 130050.

Submission:

Labcorp Genetics (formerly Invitae), Labcorp
Classification: Uncertain significance for Ehlers-Danlos syndrome, type 4. Last evaluated: 2024-05-23. Review status: criteria provided, single submitter. Criteria: Invitae Variant Classification Sherloc (09022015). Collection method: clinical testing. Allele origin: germline.
Comment: This sequence change replaces valine, which is neutral and non-polar, with glutamic acid, which is acidic and polar, at codon 1352 of the COL3A1 protein (p.Val1352Glu). This variant is not present in population databases (gnomAD no frequency). This variant has not been reported in the literature in individuals affected with COL3A1-related conditions. Advanced modeling of protein sequence and biophysical properties (such as structural, functional, and spatial information, amino acid conservation, physicochemical variation, residue mobility, and thermodynamic stability) performed at Invitae indicates that this missense variant is not expected to disrupt COL3A1 protein function with a negative predictive value of 95%. In summary, the available evidence is currently insufficient to determine the role of this variant in disease. Therefore, it has been classified as a Variant of Uncertain Significance.

NM_000090.4(COL3A1):c.4055T>A (p.Val1352Glu)

Gene: COL3A1 (collagen type III alpha 1 chain; plus strand). Cytogenetic location: 2q32.2.
Variant type: single nucleotide variant.
Coding change: c.4055T>A on transcript NM_000090.4 (MANE Select); coding-DNA position 4055, T replaced by A.
Protein change: p.Val1352Glu; replaces valine 1352 with glutamic acid.
Molecular consequence: missense variant.
Genome position (GRCh38, 1-based): chr2:189,010,691, T>A. VCF-style: chr2-189010691-T-A. GRCh37 (hg19) VCF-style: chr2-189875417-T-A.
Other names: short protein forms V1352E.
Identifiers: ClinVar variation 3634111 (VCV003634111.2).
Genomic context (GRCh38, chr2:189,010,691, plus strand): 5'-TTTGTTCCCTATTACAGTTTAGCTACGGCAATCCTGAACTTCCTGAAGATGTCCTTGATG[T>A]GCATCTGGCATTCCTTCGACTTCTCTCCAGCCGAGCTTCCCAGAACATCACATATCACTG-3'
Protein context (NP_000081.2, residues 1342-1362): NPELPEDVLD[Val1352Glu]HLAFLRLLSS